The following is an entry in ClinVar:

NM_024426.6(WT1):c.1120C>G (p.Arg374Gly)

Gene: WT1 (WT1 transcription factor; minus strand). Cytogenetic location: 11p13.
Variant type: single nucleotide variant.
Coding change: c.1120C>G on transcript NM_024426.6 (MANE Select); coding-DNA position 1120, C replaced by G.
Protein change: p.Arg374Gly; replaces arginine 374 with glycine.
Molecular consequence: missense variant. On other transcripts: 5 prime UTR variant (1), non-coding transcript variant (1).
Genome position (GRCh38, 1-based): chr11:32,396,401, G>C on the plus strand (C>G on the coding strand, the complement: WT1 is on the minus strand). VCF-style: chr11-32396401-G-C. GRCh37 (hg19) VCF-style: chr11-32417947-G-C.
Other names: c.1069C>G, p.Arg357Gly (NM_000378.6, NM_001407045.1, NM_001407048.1 and 1 more transcripts); c.469C>G, p.Arg157Gly (NM_001198551.2); c.418C>G, p.Arg140Gly (NM_001198552.2); c.-69C>G (NM_001367854.1); c.1114C>G, p.Arg372Gly (NM_001407044.1); c.1120C>G, p.Arg374Gly (NM_001407046.1, NM_024424.5); c.997C>G, p.Arg333Gly (NM_001407047.1); c.946C>G, p.Arg316Gly (NM_001407050.1); and 2 more; short protein forms R120G, R374G, R357G, R372G, R316G, R140G, R352G, R369G.
Identifiers: ClinVar variation 1962347 (VCV001962347.2), dbSNP rs1423753702, ClinGen allele CA379960071.

ClinVar aggregate classification (germline): Uncertain significance (1 of 4 stars; one submission).

Conditions:
Wilms tumor 1 (WT1). Also called: Wilms tumor, somatic. Identifiers: Orphanet 654, MedGen CN033288, MONDO:0008679, OMIM 194070.
11p partial monosomy syndrome (WAGR). Also called: WAGR Spectrum Disorder; CHROMOSOME 11p13 DELETION SYNDROME; WAGR Complex; WAGR syndrome. Identifiers: Orphanet 893, MedGen C0206115, MONDO:0008681, OMIM 194072.
Drash syndrome (DDS). Also called: NEPHROPATHY, WILMS TUMOR, AND GENITAL ANOMALIES; WILMS TUMOR AND PSEUDO- OR TRUE HERMAPHRODITISM. Identifiers: Orphanet 220, MedGen C0950121, MONDO:0008682, OMIM 194080.
Frasier syndrome. Identifiers: Orphanet 347, MedGen C0950122, MeSH D052159, MONDO:0007635, OMIM 136680.

Submission:

Labcorp Genetics (formerly Invitae), Labcorp
Classification: Uncertain significance for Wilms tumor 1; Drash syndrome; 11p partial monosomy syndrome; Frasier syndrome. Last evaluated: 2021-07-28. Review status: criteria provided, single submitter. Criteria: Invitae Variant Classification Sherloc (09022015). Collection method: clinical testing. Allele origin: germline.
Comment: This sequence change replaces arginine with glycine at codon 369 of the WT1 protein (p.Arg369Gly). The arginine residue is highly conserved and there is a moderate physicochemical difference between arginine and glycine. This variant is not present in population databases (ExAC no frequency). This variant has not been reported in the literature in individuals affected with WT1-related conditions. Algorithms developed to predict the effect of missense changes on protein structure and function (SIFT, PolyPhen-2, Align-GVGD) all suggest that this variant is likely to be disruptive. In summary, the available evidence is currently insufficient to determine the role of this variant in disease. Therefore, it has been classified as a Variant of Uncertain Significance.